The following is an entry in ClinVar:

NM_004068.4(AP2M1):c.1173+180G>A

Gene: AP2M1 (adaptor related protein complex 2 subunit mu 1; plus strand). Cytogenetic location: 3q27.1.
Variant type: single nucleotide variant.
Coding change: c.1173+180G>A on transcript NM_004068.4 (MANE Select); 180 bases into the intron after coding-DNA position 1173, G replaced by A.
Molecular consequence: intron variant.
Genome position (GRCh38, 1-based): chr3:184,183,048, G>A. VCF-style: chr3-184183048-G-A. GRCh37 (hg19) VCF-style: chr3-183900836-G-A.
Other names: c.1248+180G>A (NM_001311198.2); c.1167+180G>A (NM_001025205.2).
Identifiers: ClinVar variation 3255254 (VCV003255254.2), dbSNP rs843364.

ClinVar aggregate classification (germline): Benign (1 of 4 stars; one submission).

Allele frequency attached by ClinVar (database versions not stated): gnomAD exomes 0.52137; TOPMed 0.52537; gnomAD 0.52809; 1000 Genomes Project 30x 0.55340; 1000 Genomes Project 0.55351.
gnomAD v4.1: 352,151 of 673,986 alleles (52%); highest among the groups gnomAD compares: East Asian, 64%; 92,910 homozygotes.

Submission:

Unidad de Genómica Garrahan, Hospital de Pediatría Garrahan
Classification: Benign. Last evaluated: 2024-07-15. Review status: criteria provided, single submitter. Criteria: ACMG Guidelines, 2015. Collection method: clinical testing. Allele origin: germline. Affected: no. Observed: 60 variant alleles.
Comment: This variant is classified as Benign based on local population frequency. This variant was detected in 65% of patients studied in a panel designed for Epileptic and Developmental Encephalopathy and Progressive Myoclonus Epilepsy. Number of patients: 60. Only high quality variants are reported.